The following is an entry in ClinVar:

ClinVar aggregate classification (germline): Uncertain significance (1 of 4 stars; one submission).

Conditions:
Hereditary cancer-predisposing syndrome. Also called: Neoplastic Syndromes, Hereditary; Tumor predisposition; Hereditary neoplastic syndrome; Hereditary Cancer Syndrome. Identifiers: Orphanet 140162, MedGen C0027672, MeSH D009386, MONDO:0015356.

Submission:

Ambry Genetics
Classification: Uncertain significance for Hereditary cancer-predisposing syndrome. Last evaluated: 2022-11-15. Review status: criteria provided, single submitter. Criteria: Ambry Variant Classification Scheme 2023. Collection method: clinical testing. Allele origin: germline.
Comment: The p.E550Q variant (also known as c.1648G>C), located in coding exon 9 of the BRCA2 gene, results from a G to C substitution at nucleotide position 1648. The glutamic acid at codon 550 is replaced by glutamine, an amino acid with highly similar properties. This amino acid position is conserved. In addition, this alteration is predicted to be tolerated by in silico analysis. Since supporting evidence is limited at this time, the clinical significance of this alteration remains unclear.

NM_000059.4(BRCA2):c.1648G>C (p.Glu550Gln)

Gene: BRCA2 (BRCA2 DNA repair associated; plus strand). Cytogenetic location: 13q13.1.
Variant type: single nucleotide variant.
Coding change: c.1648G>C on transcript NM_000059.4 (MANE Select); coding-DNA position 1648, G replaced by C.
Protein change: p.Glu550Gln; replaces glutamic acid 550 with glutamine.
Molecular consequence: missense variant. On other transcripts: non-coding transcript variant (1), intron variant (1).
Genome position (GRCh38, 1-based): chr13:32,333,126, G>C. VCF-style: chr13-32333126-G-C. GRCh37 (hg19) VCF-style: chr13-32907263-G-C.
Other names: c.1648G>C, p.Glu550Gln (NM_001406719.1, NM_001406720.1, NM_001406721.1); c.424+2096G>C (NM_001406722.1); short protein forms E550Q.
Identifiers: ClinVar variation 2451492 (VCV002451492.2), dbSNP rs1555281999, ClinGen allele CA387764992.
Genomic context (GRCh38, chr13:32,333,126, plus strand): 5'-AAAAAAGAAACTGAAGCCTCTGAAAGTGGACTGGAAATACATACTGTTTGCTCACAGAAG[G>C]AGGACTCCTTATGTCCAAATTTAATTGATAATGGAAGCTGGCCAGCCACCACCACACAGA-3'
Protein context (NP_000050.3, residues 540-560): LEIHTVCSQK[Glu550Gln]DSLCPNLIDN